The following is an entry in ClinVar:

ClinVar aggregate classification (germline): Pathogenic (1 of 4 stars; one submission).

Conditions:
Fabry disease. Also called: ALPHA-GALACTOSIDASE A DEFICIENCY; ANDERSON-FABRY DISEASE; CERAMIDE TRIHEXOSIDASE DEFICIENCY; GLA DEFICIENCY; HEREDITARY DYSTOPIC LIPIDOSIS; Angiokeratoma corporis diffusum. Identifiers: Orphanet 324, MedGen C0002986, MONDO:0010526, OMIM 301500, HP:0001071. Disease mechanism: Fabry disease is due to inactivating mutations in the X-linked GLA gene resulting in deficiency of the enzyme Alpha Galactosidase-A., loss of function.

Submission:

Genomenon, Inc
Classification: Pathogenic for Fabry disease. Last evaluated: 2026-09-08. Review status: criteria provided, single submitter. Criteria: Genomenon Sequence Variant Interpretation Standards - Updated. Collection method: curation. Allele origin: germline. Affected: yes.
Comment: GLA p.Phe396SerfsTer8 (c.1189dup) is a frameshift variant that is predicted to introduce a premature termination codon and result in a truncated or absent protein product. This variant has been observed in at least one proband with clinical features consistent with Fabry disease (PMID:10916280;32161151). It is absent or not present at a significant frequency in gnomAD. In conclusion, we classify GLA p.Phe396SerfsTer8 (c.1189dup) as a pathogenic variant.

Literature cited by the submitters: PubMed 10916280; PubMed 32161151.

NM_000169.3(GLA):c.1189dup (p.Tyr397fs)

Genes: GLA (galactosidase alpha; minus strand), RPL36A-HNRNPH2 (RPL36A-HNRNPH2 readthrough; plus strand). Cytogenetic location: Xq22.1.
Variant type: Duplication.
Coding change: c.1189dup on transcript NM_000169.3 (MANE Select); coding-DNA position 1189, one base duplicated (T; older notation c.1189dupT).
Protein change: p.Tyr397fs; shifts the reading frame from tyrosine 397.
Molecular consequence: frameshift variant. On other transcripts: non-coding transcript variant (3), intron variant (2).
Genome position (GRCh38, 1-based): chrX:101,397,910, A duplicated on the plus strand (T on the coding strand, the reverse complement: GLA is on the minus strand). VCF-style (leftmost placement, unchanged base first): chrX-101397909-T-TA. GRCh37 (hg19) VCF-style: chrX-100652897-T-TA.
Other names: c.1312dup, p.Tyr438fs (NM_001406747.1); c.300+2453dup (NM_001199973.2); c.177+6088dup (NM_001199974.2); short protein forms Y397fs, Y438fs.
Identifiers: ClinVar variation 4087077 (VCV004087077.2).